The following is an entry in ClinVar:

ClinVar aggregate classification (germline): Uncertain significance (1 of 4 stars; one submission).

Conditions:
Charcot-Marie-Tooth disease dominant intermediate E. Also called: CHARCOT-MARIE-TOOTH NEUROPATHY WITH FOCAL SEGMENTAL GLOMERULONEPHRITIS. Identifiers: Orphanet 93114, MedGen C4302667, MONDO:0013758, OMIM 614455.
Focal segmental glomerulosclerosis 5 (FSGS5). Identifiers: Orphanet 656, MedGen C2750475, MONDO:0013191, OMIM 613237.

Allele frequency attached by ClinVar (database versions not stated): gnomAD exomes 0.00001.

Submission:

Labcorp Genetics (formerly Invitae), Labcorp
Classification: Uncertain significance for Charcot-Marie-Tooth disease dominant intermediate E; Focal segmental glomerulosclerosis 5. Last evaluated: 2022-06-10. Review status: criteria provided, single submitter. Criteria: Invitae Variant Classification Sherloc (09022015). Collection method: clinical testing. Allele origin: germline.
Comment: Algorithms developed to predict the effect of missense changes on protein structure and function are either unavailable or do not agree on the potential impact of this missense change (SIFT: "Deleterious"; PolyPhen-2: "Not Available"; Align-GVGD: "Class C0"). In summary, the available evidence is currently insufficient to determine the role of this variant in disease. Therefore, it has been classified as a Variant of Uncertain Significance. This sequence change replaces serine, which is neutral and polar, with cysteine, which is neutral and slightly polar, at codon 638 of the INF2 protein (p.Ser638Cys). This variant is not present in population databases (gnomAD no frequency). This variant has not been reported in the literature in individuals affected with INF2-related conditions.

NM_022489.4(INF2):c.1912A>T (p.Ser638Cys)

Gene: INF2 (inverted formin 2; plus strand). Cytogenetic location: 14q32.33.
Variant type: single nucleotide variant.
Coding change: c.1912A>T on transcript NM_022489.4 (MANE Select); coding-DNA position 1912, A replaced by T.
Protein change: p.Ser638Cys; replaces serine 638 with cysteine.
Molecular consequence: missense variant.
Genome position (GRCh38, 1-based): chr14:104,708,695, A>T. VCF-style: chr14-104708695-A-T. GRCh37 (hg19) VCF-style: chr14-105175032-A-T.
Other names: c.1912A>T, p.Ser638Cys (NM_001031714.4); short protein forms S638C.
Identifiers: ClinVar variation 2004203 (VCV002004203.4), dbSNP rs2541926343, ClinGen allele CA391219046.